The following is an entry in ClinVar:

NM_018979.4(WNK1):c.2021C>T (p.Thr674Ile)

Gene: WNK1 (WNK lysine deficient protein kinase 1; plus strand). Cytogenetic location: 12p13.33.
Variant type: single nucleotide variant.
Coding change: c.2021C>T on transcript NM_018979.4 (MANE Select); coding-DNA position 2021, C replaced by T.
Protein change: p.Thr674Ile; replaces threonine 674 with isoleucine.
Molecular consequence: missense variant.
Genome position (GRCh38, 1-based): chr12:862,152, C>T. VCF-style: chr12-862152-C-T. GRCh37 (hg19) VCF-style: chr12-971318-C-T.
Other names: c.2021C>T, p.Thr674Ile (NM_001184985.2, NM_014823.3, NM_213655.5); short protein forms T674I.
Identifiers: ClinVar variation 538508 (VCV000538508.8), dbSNP rs1249953042, ClinGen allele CA383336342.

ClinVar aggregate classification (germline): Uncertain significance (1 of 4 stars; one submission).

Conditions:
Neuropathy, hereditary sensory and autonomic, type 2A (HSAN2A). Also called: HSAN IIA; WNK1-Related HSAN2 (HSAN2A); MORVAN DISEASE; NEUROPATHY, CONGENITAL SENSORY; NEUROPATHY, HEREDITARY SENSORY RADICULAR, AUTOSOMAL RECESSIVE; NEUROPATHY, HEREDITARY SENSORY, TYPE IIA. Identifiers: Orphanet 970, MedGen C2752089, MONDO:0024309, OMIM 201300.
Pseudohypoaldosteronism type 2C (PHA2C). Also called: Pseudohypoaldosteronism Type IIC. Identifiers: Orphanet 757, Orphanet 88940, MedGen C1840391, MONDO:0013778, OMIM 614492.

Submission:

Labcorp Genetics (formerly Invitae), Labcorp
Classification: Uncertain significance for Neuropathy, hereditary sensory and autonomic, type 2A; Pseudohypoaldosteronism type 2C. Last evaluated: 2017-11-23. Review status: criteria provided, single submitter. Criteria: Invitae Variant Classification Sherloc (09022015). Collection method: clinical testing. Allele origin: germline.
Comment: In summary, the available evidence is currently insufficient to determine the role of this variant in disease. Therefore, it has been classified as a Variant of Uncertain Significance. Algorithms developed to predict the effect of missense changes on protein structure and function (SIFT, PolyPhen-2, Align-GVGD) all suggest that this variant is likely to be disruptive, but these predictions have not been confirmed by published functional studies and their clinical significance is uncertain. This variant has not been reported in the literature in individuals with WNK1-related disease. This variant is not present in population databases (ExAC no frequency). This sequence change replaces threonine with isoleucine at codon 674 of the WNK1 protein (p.Thr674Ile). The threonine residue is highly conserved and there is a moderate physicochemical difference between threonine and isoleucine.